The following is an entry in ClinVar:

ClinVar aggregate classification (germline): Uncertain significance (1 of 4 stars; one submission).

Allele frequency attached by ClinVar (database versions not stated): ExAC 0.00008; gnomAD exomes 0.00009; 1000 Genomes Project 30x 0.00016; 1000 Genomes Project 0.00020; gnomAD 0.00022; TOPMed 0.00025.
gnomAD v4.1: 157 of 1,614,062 alleles (0.0097%); highest among the groups gnomAD compares: Admixed American, 0.1%; no homozygotes.

Submission:

Labcorp Genetics (formerly Invitae), Labcorp
Classification: Uncertain significance. Last evaluated: 2022-08-16. Review status: criteria provided, single submitter. Criteria: Invitae Variant Classification Sherloc (09022015). Collection method: clinical testing. Allele origin: germline.
Comment: This sequence change replaces arginine, which is basic and polar, with cysteine, which is neutral and slightly polar, at codon 109 of the HPS5 protein (p.Arg109Cys). This variant is present in population databases (rs202067617, gnomAD 0.07%). This variant has not been reported in the literature in individuals affected with HPS5-related conditions. Algorithms developed to predict the effect of missense changes on protein structure and function are either unavailable or do not agree on the potential impact of this missense change (SIFT: "Deleterious"; PolyPhen-2: "Probably Damaging"; Align-GVGD: "Class C0"). Algorithms developed to predict the effect of sequence changes on RNA splicing suggest that this variant may disrupt the consensus splice site. In summary, the available evidence is currently insufficient to determine the role of this variant in disease. Therefore, it has been classified as a Variant of Uncertain Significance.

NM_181507.2(HPS5):c.325C>T (p.Arg109Cys)

Genes: HPS5 (HPS5 biogenesis of lysosomal organelles complex 2 subunit 2; minus strand), LOC130005404 (ATAC-STARR-seq lymphoblastoid active region 4495; plus strand). Cytogenetic location: 11p15.1.
Variant type: single nucleotide variant.
Coding change: c.325C>T on transcript NM_181507.2 (MANE Select); coding-DNA position 325, C replaced by T.
Protein change: p.Arg109Cys; replaces arginine 109 with cysteine.
Molecular consequence: missense variant. On other transcripts: 5 prime UTR variant (1).
Genome position (GRCh38, 1-based): chr11:18,310,893, G>A on the plus strand (C>T on the coding strand, the complement: HPS5 is on the minus strand). VCF-style: chr11-18310893-G-A. GRCh37 (hg19) VCF-style: chr11-18332440-G-A.
Other names: c.-18C>T (NM_007216.4, NM_181508.2); short protein forms R109C.
Identifiers: ClinVar variation 2181938 (VCV002181938.1), dbSNP rs202067617, ClinGen allele CA5910460.